The following is an entry in ClinVar:

ClinVar aggregate classification (germline): Uncertain significance (1 of 4 stars; one submission).

Conditions:
Leukocyte adhesion deficiency 3. Also called: Leukocyte adhesion deficiency, type III; INTEGRIN ACTIVATION DEFICIENCY DISEASE; LEUKOCYTE ADHESION DEFICIENCY 1 VARIANT. Identifiers: Orphanet 2968, Orphanet 99844, MedGen C2748536, MONDO:0013016, OMIM 612840.

Submission:

Labcorp Genetics (formerly Invitae), Labcorp
Classification: Uncertain significance for Leukocyte adhesion deficiency 3. Last evaluated: 2025-03-18. Review status: criteria provided, single submitter. Criteria: Invitae Variant Classification Sherloc (09022015). Collection method: clinical testing. Allele origin: germline.
Comment: This sequence change replaces lysine, which is basic and polar, with glutamic acid, which is acidic and polar, at codon 242 of the FERMT3 protein (p.Lys242Glu). This variant is not present in population databases (gnomAD no frequency). This variant has not been reported in the literature in individuals affected with FERMT3-related conditions. ClinVar contains an entry for this variant (Variation ID: 1524936). Invitae Evidence Modeling of protein sequence and biophysical properties (such as structural, functional, and spatial information, amino acid conservation, physicochemical variation, residue mobility, and thermodynamic stability) indicates that this missense variant is not expected to disrupt FERMT3 protein function with a negative predictive value of 80%. In summary, the available evidence is currently insufficient to determine the role of this variant in disease. Therefore, it has been classified as a Variant of Uncertain Significance.

NM_031471.6(FERMT3):c.724A>G (p.Lys242Glu)

Gene: FERMT3 (FERM domain containing kindlin 3; plus strand). Cytogenetic location: 11q13.1.
Variant type: single nucleotide variant.
Coding change: c.724A>G on transcript NM_031471.6 (MANE Select); coding-DNA position 724, A replaced by G.
Protein change: p.Lys242Glu; replaces lysine 242 with glutamic acid.
Molecular consequence: missense variant.
Genome position (GRCh38, 1-based): chr11:64,211,685, A>G. VCF-style: chr11-64211685-A-G. GRCh37 (hg19) VCF-style: chr11-63979157-A-G.
Other names: c.724A>G, p.Lys242Glu (NM_001382361.1, NM_001382362.1, NM_001382448.1 and 1 more transcripts); c.184A>G, p.Lys62Glu (NM_001382363.1, NM_001382364.1); short protein forms K242E, K62E.
Identifiers: ClinVar variation 1524936 (VCV001524936.8), dbSNP rs1408986056, ClinGen allele CA381083167.